The following is an entry in ClinVar:

ClinVar aggregate classification (germline): Uncertain significance (1 of 4 stars; one submission).

Submission:

GeneDx
Classification: Uncertain significance. Last evaluated: 2023-06-16. Review status: criteria provided, single submitter. Criteria: GeneDx Variant Classification Process June 2021. Collection method: clinical testing. Allele origin: germline. Affected: yes.
Comment: Not observed at significant frequency in large population cohorts (gnomAD); In silico analysis supports that this missense variant does not alter protein structure/function; Has not been previously published as pathogenic or benign to our knowledge

NM_004733.4(SLC33A1):c.25G>C (p.Asp9His)

Gene: SLC33A1 (solute carrier family 33 member 1; minus strand). Cytogenetic location: 3q25.31.
Variant type: single nucleotide variant.
Coding change: c.25G>C on transcript NM_004733.4 (MANE Select); coding-DNA position 25, G replaced by C.
Protein change: p.Asp9His; replaces aspartic acid 9 with histidine.
Molecular consequence: missense variant.
Genome position (GRCh38, 1-based): chr3:155,853,973, C>G on the plus strand (G>C on the coding strand, the complement: SLC33A1 is on the minus strand). VCF-style: chr3-155853973-C-G. GRCh37 (hg19) VCF-style: chr3-155571762-C-G.
Other names: c.25G>C, p.Asp9His (NM_001190992.2, NM_001363883.1); short protein forms D9H.
Identifiers: ClinVar variation 3360114 (VCV003360114.1).